The following is an entry in ClinVar:

ClinVar aggregate classification (germline): Conflicting classifications of pathogenicity. Review status: criteria provided, conflicting classifications (1 of 4 stars). 5 submissions from 1 submitter: Uncertain significance (3); Likely benign (2). Last evaluated 2018-01-13.

Conditions:
Sulfate transporter-related osteochondrodysplasia. Also called: DTDST-related dysplasias. Identifiers: MedGen CN120497. Disease mechanism: loss of function.
Achondrogenesis, type IB (ACG1B). Also called: Achondrogenesis Type 1B. Identifiers: Orphanet 932, Orphanet 93298, MedGen C0265274, MONDO:0010966, OMIM 600972.
Atelosteogenesis type II (AO2). Also called: Neonatal osseous dysplasia 1; NEONATAL OSSEOUS DYSPLASIA I; SLC26A2-Related Atelosteogenesis. Identifiers: Orphanet 56304, MedGen C1850554, MONDO:0009727, OMIM 256050.
Multiple epiphyseal dysplasia type 4 (EDM4). Also called: SLC26A2-Related Multiple Epiphyseal Dysplasia; MULTIPLE EPIPHYSEAL DYSPLASIA WITH BILAYERED PATELLAE; MULTIPLE EPIPHYSEAL DYSPLASIA WITH CLUBFOOT; MULTIPLE EPIPHYSEAL DYSPLASIA, AUTOSOMAL RECESSIVE; Multiple Epiphyseal Dysplasia, Recessive. Identifiers: Orphanet 93307, MedGen C1847593, MONDO:0009189, OMIM 226900.
Diastrophic dysplasia (DTD). Also called: Diastrophic dwarfism. Identifiers: Orphanet 628, MedGen C0220726, MONDO:0009107, OMIM 222600.

Allele frequency attached by ClinVar (database versions not stated): gnomAD 0.00003 and 0.00005; TOPMed 0.00003; 1000 Genomes Project 30x 0.00031; 1000 Genomes Project 0.00040.
gnomAD v4.1: 7 of 152,244 alleles (0.0046%); highest among the groups gnomAD compares: South Asian, 0.021%; no homozygotes.

Submissions (5):

Illumina Laboratory Services, Illumina
Classification: Likely benign for Atelosteogenesis type II. Last evaluated: 2018-01-13. Review status: criteria provided, single submitter. Criteria: ICSL Variant Classification Criteria 13 December 2019. Collection method: clinical testing. Allele origin: germline.
Comment: This variant was observed in the ICSL laboratory as part of a predisposition screen in an ostensibly healthy population. It had not been previously curated by ICSL or reported in the Human Gene Mutation Database (HGMD: prior to June 1st, 2018), and was therefore a candidate for classification through an automated scoring system. Utilizing variant allele frequency, disease prevalence and penetrance estimates, and inheritance mode, an automated score was calculated to assess if this variant is too frequent to cause the disease. Based on the score and internal cut-off values, a variant classified as likely benign is not then subjected to further curation. The score for this variant resulted in a classification of likely benign for this disease.

Illumina Laboratory Services, Illumina
Classification: Uncertain significance for Osteochondrodysplasia. Last evaluated: 2018-01-13. Review status: criteria provided, single submitter. Criteria: ICSL Variant Classification Criteria 13 December 2019. Collection method: clinical testing. Allele origin: germline.

Illumina Laboratory Services, Illumina
Classification: Likely benign for Achondrogenesis, type IB. Last evaluated: 2018-01-13. Review status: criteria provided, single submitter. Criteria: ICSL Variant Classification Criteria 13 December 2019. Collection method: clinical testing. Allele origin: germline.
Comment: the same text as in the submission from Illumina Laboratory Services, Illumina above.

Illumina Laboratory Services, Illumina
Classification: Uncertain significance for Diastrophic dysplasia. Last evaluated: 2018-01-13. Review status: criteria provided, single submitter. Criteria: ICSL Variant Classification Criteria 13 December 2019. Collection method: clinical testing. Allele origin: germline.

Illumina Laboratory Services, Illumina
Classification: Uncertain significance for Multiple epiphyseal dysplasia type 4. Last evaluated: 2018-01-13. Review status: criteria provided, single submitter. Criteria: ICSL Variant Classification Criteria 13 December 2019. Collection method: clinical testing. Allele origin: germline.

NM_000112.4(SLC26A2):c.*3918C>T

Gene: SLC26A2 (solute carrier family 26 member 2; plus strand). Cytogenetic location: 5q32.
Variant type: single nucleotide variant.
Coding change: c.*3918C>T on transcript NM_000112.4 (MANE Select); 3918 bases downstream of the stop codon, C replaced by T.
Molecular consequence: 3 prime UTR variant.
Genome position (GRCh38, 1-based): chr5:149,985,731, C>T. VCF-style: chr5-149985731-C-T. GRCh37 (hg19) VCF-style: chr5-149365294-C-T.
Identifiers: ClinVar variation 904762 (VCV000904762.4), dbSNP rs192457706, ClinGen allele CA129086012.
Genomic context (GRCh38, chr5:149,985,731, plus strand): 5'-TTCTGTGATCCTTATTGTTCTTAATTGTGTTTCTCTACGTATTGTTACAGATGAGCCATA[C>T]GTTTCTTTGTATCAATGTAGACATGACTTCAGATACCTCTGAGGACCTACCCAGCAGTCT-3'